The following is an entry in ClinVar:

ClinVar aggregate classification (germline): Benign/Likely benign. Review status: criteria provided, multiple submitters, no conflicts (2 of 4 stars). 4 submissions from 4 submitters: Benign (2); Likely benign (2). Last evaluated 2025-12-09.

Conditions:
Autosomal dominant limb-girdle muscular dystrophy type 1F (LGMDD2). Also called: Limb-girdle muscular dystrophy, type 1F; MUSCULAR DYSTROPHY, LIMB-GIRDLE, AUTOSOMAL DOMINANT 2. Identifiers: Orphanet 55595, MedGen C1842062, MONDO:0012034, OMIM 608423.

Allele frequency attached by ClinVar (database versions not stated): gnomAD 0.00002 and 0.00009; TOPMed 0.00003; ESP Exome Variant Server 0.00008; gnomAD exomes 0.00021; ExAC 0.00025; 1000 Genomes Project 30x 0.00031; 1000 Genomes Project 0.00040.
gnomAD v4.1: 145 of 1,614,126 alleles (0.009%); highest among the groups gnomAD compares: South Asian, 0.14%; 1 homozygote.

Submissions (4):

Women's Health and Genetics/Laboratory Corporation of America, LabCorp
Classification: Benign. Last evaluated: 2025-12-09. Review status: criteria provided, single submitter. Criteria: LabCorp Variant Classification Summary - May 2015. Collection method: clinical testing. Allele origin: germline.

CeGaT Center for Human Genetics Tuebingen
Classification: Likely benign. Last evaluated: 2025-10-01. Review status: criteria provided, single submitter. Criteria: CeGaT Center For Human Genetics Tuebingen Variant Classification Criteria Version 2. Collection method: clinical testing. Allele origin: germline. Affected: yes. Observed: 1 variant allele.
Comment: TNPO3: BP4, BP7

Labcorp Genetics (formerly Invitae), Labcorp
Classification: Benign for Autosomal dominant limb-girdle muscular dystrophy type 1F. Last evaluated: 2025-07-22. Review status: criteria provided, single submitter. Criteria: Invitae Variant Classification Sherloc (09022015). Collection method: clinical testing. Allele origin: germline.

Blueprint Genetics
Classification: Likely benign. Last evaluated: 2022-08-03. Review status: criteria provided, single submitter. Criteria: ACMG Guidelines, 2015. Collection method: clinical testing. Allele origin: germline.

NM_012470.4(TNPO3):c.1359-12G>A

Gene: TNPO3 (transportin 3; minus strand). Cytogenetic location: 7q32.1.
Variant type: single nucleotide variant.
Coding change: c.1359-12G>A on transcript NM_012470.4 (MANE Select); 12 bases into the intron before coding-DNA position 1359, G replaced by A.
Molecular consequence: intron variant. On other transcripts: synonymous variant (1), non-coding transcript variant (1).
Genome position (GRCh38, 1-based): chr7:128,990,112, C>T on the plus strand (G>A on the coding strand, the complement: TNPO3 is on the minus strand). VCF-style: chr7-128990112-C-T. GRCh37 (hg19) VCF-style: chr7-128630166-C-T.
Other names: c.1449G>A, p.Pro483= (NM_001382216.1); c.1215-12G>A (NM_001382221.1); c.1212-12G>A (NM_001382222.1); c.1251-12G>A (NM_001382219.1); c.1359-12G>A (NM_001382223.1, NM_001191028.3, NM_001382220.1 and 1 more transcripts); c.1440-12G>A (NM_001382217.1).
Identifiers: ClinVar variation 1599913 (VCV001599913.16), dbSNP rs369053779, ClinGen allele CA4478148.